The following is an entry in ClinVar:

NM_000426.4(LAMA2):c.800_801delinsGA (p.Asp267Gly)

Gene: LAMA2 (laminin subunit alpha 2; plus strand). Cytogenetic location: 6q22.33.
Variant type: Indel.
Coding change: c.800_801delinsGA on transcript NM_000426.4 (MANE Select); coding-DNA positions 800 to 801, AC replaced by GA.
Protein change: p.Asp267Gly; replaces aspartic acid 267 with glycine.
Molecular consequence: missense variant.
Genome position (GRCh38, 1-based): chr6:129,144,061-129,144,062, AC replaced by GA. VCF-style: chr6-129144061-AC-GA. GRCh37 (hg19) VCF-style: chr6-129465206-AC-GA.
Other names: c.800_801delinsGA, p.Asp267Gly (NM_001079823.2); short protein forms D267G.
Identifiers: ClinVar variation 2090807 (VCV002090807.2), dbSNP rs2482585116, ClinGen allele CA2580074890.

ClinVar aggregate classification (germline): Uncertain significance (1 of 4 stars; one submission).

Conditions:
LAMA2-related muscular dystrophy (LAMA2-RD). Also called: Laminin alpha 2-related dystrophy. Identifiers: MedGen C5679788, MONDO:0100228.

Submission:

Labcorp Genetics (formerly Invitae), Labcorp
Classification: Uncertain significance for LAMA2-related muscular dystrophy. Last evaluated: 2022-08-03. Review status: criteria provided, single submitter. Criteria: Invitae Variant Classification Sherloc (09022015). Collection method: clinical testing. Allele origin: germline.
Comment: Algorithms developed to predict the effect of missense changes on protein structure and function are either unavailable or do not agree on the potential impact of this missense change (SIFT: "Not Available"; PolyPhen-2: "Probably Damaging"; Align-GVGD: "Not Available"). This sequence change replaces aspartic acid, which is acidic and polar, with glycine, which is neutral and non-polar, at codon 267 of the LAMA2 protein (p.Asp267Gly). Information on the frequency of this variant in the gnomAD database is not available, as this variant may be reported differently in the database. This variant has not been reported in the literature in individuals affected with LAMA2-related conditions. In summary, the available evidence is currently insufficient to determine the role of this variant in disease. Therefore, it has been classified as a Variant of Uncertain Significance.